The following is an entry in ClinVar:

ClinVar aggregate classification (germline): Uncertain significance (1 of 4 stars; one submission).

Allele frequency attached by ClinVar (database versions not stated): gnomAD exomes below 0.00001.
gnomAD v4.1: 1 of 1,612,240 alleles (0.000062%); highest among the groups gnomAD compares: South Asian, 0.0011%; no homozygotes.

Submission:

GeneDx
Classification: Uncertain significance. Last evaluated: 2022-06-09. Review status: criteria provided, single submitter. Criteria: GeneDx Variant Classification Process June 2021. Collection method: clinical testing. Allele origin: germline. Affected: yes.
Comment: Not observed at significant frequency in large population cohorts (gnomAD); In silico analysis supports that this missense variant has a deleterious effect on protein structure/function; Has not been previously published as pathogenic or benign to our knowledge

NM_032108.4(SEMA6B):c.1726G>C (p.Gly576Arg)

Gene: SEMA6B (semaphorin 6B; minus strand). Cytogenetic location: 19p13.3.
Variant type: single nucleotide variant.
Coding change: c.1726G>C on transcript NM_032108.4 (MANE Select); coding-DNA position 1726, G replaced by C.
Protein change: p.Gly576Arg; replaces glycine 576 with arginine.
Molecular consequence: missense variant.
Genome position (GRCh38, 1-based): chr19:4,546,228, C>G on the plus strand (G>C on the coding strand, the complement: SEMA6B is on the minus strand). VCF-style: chr19-4546228-C-G. GRCh37 (hg19) VCF-style: chr19-4546240-C-G.
Other names: short protein forms G576R.
Identifiers: ClinVar variation 1803530 (VCV001803530.1), dbSNP rs2512184882, ClinGen allele CA403462155.